The following is an entry in ClinVar:

ClinVar aggregate classification (germline): Uncertain significance (1 of 4 stars; one submission).

Submission:

GeneDx
Classification: Uncertain significance. Last evaluated: 2023-12-04. Review status: criteria provided, single submitter. Criteria: GeneDx Variant Classification Process June 2021. Collection method: clinical testing. Allele origin: germline. Affected: yes.
Comment: Not observed at significant frequency in large population cohorts (gnomAD); In silico analysis supports that this missense variant has a deleterious effect on protein structure/function; Has not been previously published as pathogenic or benign to our knowledge

NM_032271.3(TRAF7):c.418G>A (p.Asp140Asn)

Gene: TRAF7 (TNF receptor associated factor 7; plus strand). Cytogenetic location: 16p13.3.
Variant type: single nucleotide variant.
Coding change: c.418G>A on transcript NM_032271.3 (MANE Select); coding-DNA position 418, G replaced by A.
Protein change: p.Asp140Asn; replaces aspartic acid 140 with asparagine.
Molecular consequence: missense variant.
Genome position (GRCh38, 1-based): chr16:2,171,333, G>A. VCF-style: chr16-2171333-G-A. GRCh37 (hg19) VCF-style: chr16-2221334-G-A.
Other names: short protein forms D140N.
Identifiers: ClinVar variation 3365274 (VCV003365274.1).